The following is an entry in ClinVar:

NM_004329.3(BMPR1A):c.637T>G (p.Ser213Ala)

Gene: BMPR1A (bone morphogenetic protein receptor type 1A; plus strand). Cytogenetic location: 10q23.2.
Variant type: single nucleotide variant.
Coding change: c.637T>G on transcript NM_004329.3 (MANE Select); coding-DNA position 637, T replaced by G.
Protein change: p.Ser213Ala; replaces serine 213 with alanine.
Molecular consequence: missense variant. On other transcripts: non-coding transcript variant (3), intron variant (1).
Genome position (GRCh38, 1-based): chr10:86,912,346, T>G. VCF-style: chr10-86912346-T-G. GRCh37 (hg19) VCF-style: chr10-88672103-T-G.
Other names: c.712T>G, p.Ser238Ala (NM_001406559.1); c.685T>G, p.Ser229Ala (NM_001406560.1); c.637T>G, p.Ser213Ala (NM_001406561.1, NM_001406562.1, NM_001406563.1 and 20 more transcripts); c.553T>G, p.Ser185Ala (NM_001406584.1, NM_001406585.1, NM_001406586.1 and 2 more transcripts); c.334-4788T>G (NM_001406589.1); short protein forms S185A, S213A, S229A, S238A.
Identifiers: ClinVar variation 3070164 (VCV003070164.1), dbSNP rs2539574138, ClinGen allele CA377454992.
Genomic context (GRCh38, chr10:86,912,346, plus strand): 5'-TTGGAACAGGATGAAGCATTTATTCCAGTTGGAGAATCACTAAAAGACCTTATTGACCAG[T>G]CACAAAGTTCTGGTAGTGGGTCTGGACTACCTTTATTGGTAAGTTAAACGTTCCTATAGA-3'
Protein context (NP_004320.2, residues 203-223): GESLKDLIDQ[Ser213Ala]QSSGSGSGLP

ClinVar aggregate classification (germline): Uncertain significance (1 of 4 stars; one submission).

Conditions:
Juvenile polyposis syndrome (JPS). Identifiers: Orphanet 2929, MedGen C0345893, MONDO:0017380, OMIM 174900.

Submission:

All of Us Research Program, National Institutes of Health
Classification: Uncertain significance for Juvenile polyposis syndrome. Last evaluated: 2023-04-03. Review status: criteria provided, single submitter. Criteria: ACMG Guidelines, 2015. Collection method: clinical testing. Allele origin: germline. Inheritance: Autosomal dominant inheritance. Observed: 1 variant allele, 1 heterozygote.
Comment: This missense variant replaces serine with alanine at codon 213 of the BMPR1A protein. Computational prediction is inconclusive regarding the impact of this variant on protein structure and function (internally defined REVEL score threshold 0.5 < inconclusive < 0.7, PMID: 27666373). To our knowledge, functional studies have not been reported for this variant. This variant has not been reported in individuals affected with BMPR1A-related disorders in the literature. This variant has not been identified in the general population by the Genome Aggregation Database (gnomAD). The available evidence is insufficient to determine the role of this variant in disease conclusively. Therefore, this variant is classified as a Variant of Uncertain Significance.

This study involves interpretation of variants in research participants for the purpose of population health screening. Participant phenotype was not available at the time of variant classification. Additional details can be found in publication PMID: 35346344, PMCID: PMC8962531